The following is an entry in ClinVar:

NM_015910.7(WDPCP):c.1748+18380C>G

Gene: WDPCP (WD repeat containing planar cell polarity effector; minus strand). Cytogenetic location: 2p15.
Variant type: single nucleotide variant.
Coding change: c.1748+18380C>G on transcript NM_015910.7 (MANE Select); 18380 bases into the intron after coding-DNA position 1748, C replaced by G.
Molecular consequence: intron variant. On other transcripts: missense variant (1).
Genome position (GRCh38, 1-based): chr2:63,360,006, G>C on the plus strand (C>G on the coding strand, the complement: WDPCP is on the minus strand). VCF-style: chr2-63360006-G-C. GRCh37 (hg19) VCF-style: chr2-63587141-G-C.
Other names: c.1819C>G, p.Leu607Val (NM_001354045.2); c.1676+18380C>G (NM_001354044.2); c.1271+18380C>G (NM_001042692.3); short protein forms L607V.
Identifiers: ClinVar variation 4996005 (VCV004996005.1).

ClinVar aggregate classification (germline): Uncertain significance (1 of 4 stars; one submission).

Conditions:
WDPCP-related disorder. Also called: WDPCP-related condition.

Submission:

PreventionGenetics, part of Exact Sciences
Classification: Uncertain significance for WDPCP-related condition. Last evaluated: 2026-08-17. Review status: criteria provided, single submitter. Criteria: ACMG Guidelines, 2015. Collection method: clinical testing. Allele origin: germline.
Comment: The WDPCP c.1819C>G variant is predicted to result in the amino acid substitution p.Leu607Val. To our knowledge, this variant has not been reported in the literature or in a large population database (gnomAD), indicating this variant is rare. At this time, the clinical significance of this variant is uncertain due to the absence of conclusive functional and genetic evidence.